The following is an entry in ClinVar:

NM_147127.5(EVC2):c.864C>G (p.Asn288Lys)

Gene: EVC2 (EvC ciliary complex subunit 2; minus strand). Cytogenetic location: 4p16.2.
Variant type: single nucleotide variant.
Coding change: c.864C>G on transcript NM_147127.5 (MANE Select); coding-DNA position 864, C replaced by G.
Protein change: p.Asn288Lys; replaces asparagine 288 with lysine.
Molecular consequence: missense variant.
Genome position (GRCh38, 1-based): chr4:5,681,266, G>C on the plus strand (C>G on the coding strand, the complement: EVC2 is on the minus strand). VCF-style: chr4-5681266-G-C. GRCh37 (hg19) VCF-style: chr4-5682993-G-C.
Other names: c.624C>G, p.Asn208Lys (NM_001166136.2); short protein forms N208K, N288K.
Identifiers: ClinVar variation 1509983 (VCV001509983.4), dbSNP rs144730069, ClinGen allele CA356145724.

ClinVar aggregate classification (germline): Uncertain significance (1 of 4 stars; one submission).

Conditions:
Curry-Hall syndrome (WAD). Also called: WEYERS ACRODENTAL DYSOSTOSIS. Identifiers: Orphanet 952, MedGen C0457013, MONDO:0008673, OMIM 193530.
Ellis-van Creveld syndrome (EVC). Also called: Chondroectodermal dysplasia; EVC-Related Ellis-van Creveld Syndrome; EVC2-Related Ellis-van Creveld Syndrome; MESOECTODERMAL DYSPLASIA. Identifiers: Orphanet 289, MedGen C0013903, MONDO:0009162, OMIM 225500.

gnomAD v4.1: 3 of 1,614,170 alleles (0.00019%); highest among the groups gnomAD compares: South Asian, 0.0022%; no homozygotes.

Submission:

Labcorp Genetics (formerly Invitae), Labcorp
Classification: Uncertain significance for Curry-Hall syndrome; Ellis-van Creveld syndrome. Last evaluated: 2022-07-19. Review status: criteria provided, single submitter. Criteria: Invitae Variant Classification Sherloc (09022015). Collection method: clinical testing. Allele origin: germline.
Comment: This sequence change replaces asparagine, which is neutral and polar, with lysine, which is basic and polar, at codon 288 of the EVC2 protein (p.Asn288Lys). This variant is not present in population databases (gnomAD no frequency). This variant has not been reported in the literature in individuals affected with EVC2-related conditions. ClinVar contains an entry for this variant (Variation ID: 1509983). Algorithms developed to predict the effect of missense changes on protein structure and function output the following: SIFT: "Tolerated"; PolyPhen-2: "Benign"; Align-GVGD: "Class C0". The lysine amino acid residue is found in multiple mammalian species, which suggests that this missense change does not adversely affect protein function. Algorithms developed to predict the effect of sequence changes on RNA splicing suggest that this variant may create or strengthen a splice site. In summary, the available evidence is currently insufficient to determine the role of this variant in disease. Therefore, it has been classified as a Variant of Uncertain Significance.